The following is an entry in ClinVar:

ClinVar aggregate classification (germline): Uncertain significance. Review status: criteria provided, multiple submitters, no conflicts (2 of 4 stars). 2 submissions from 2 submitters: Uncertain significance (2). Last evaluated 2023-05-28.

Conditions:
Inborn genetic diseases. Identifiers: MedGen C0950123, MeSH D030342.

Allele frequency attached by ClinVar (database versions not stated): TOPMed 0.00003; gnomAD 0.00004; gnomAD exomes 0.00004; ExAC 0.00005.
gnomAD v4.1: 134 of 1,607,474 alleles (0.0083%); highest among the groups gnomAD compares: Middle Eastern, 0.016%; no homozygotes.

Submissions (2):

Labcorp Genetics (formerly Invitae), Labcorp
Classification: Uncertain significance. Last evaluated: 2023-05-28. Review status: criteria provided, single submitter. Criteria: Invitae Variant Classification Sherloc (09022015). Collection method: clinical testing. Allele origin: germline.
Comment: In summary, the available evidence is currently insufficient to determine the role of this variant in disease. Therefore, it has been classified as a Variant of Uncertain Significance. An algorithm developed to predict the effect of missense changes on protein structure and function (PolyPhen-2) suggests that this variant is likely to be disruptive. ClinVar contains an entry for this variant (Variation ID: 1403284). This variant has not been reported in the literature in individuals affected with IARS2-related conditions. This variant is present in population databases (rs771124236, gnomAD 0.01%). This sequence change replaces aspartic acid, which is acidic and polar, with glycine, which is neutral and non-polar, at codon 676 of the IARS2 protein (p.Asp676Gly).

Ambry Genetics
Classification: Uncertain significance for Inborn genetic diseases. Last evaluated: 2021-06-15. Review status: criteria provided, single submitter. Criteria: Ambry Variant Classification Scheme 2023. Collection method: clinical testing. Allele origin: germline.

NM_018060.4(IARS2):c.2027A>G (p.Asp676Gly)

Gene: IARS2 (isoleucyl-tRNA synthetase 2, mitochondrial; plus strand). Cytogenetic location: 1q41.
Variant type: single nucleotide variant.
Coding change: c.2027A>G on transcript NM_018060.4 (MANE Select); coding-DNA position 2027, A replaced by G.
Protein change: p.Asp676Gly; replaces aspartic acid 676 with glycine.
Molecular consequence: missense variant.
Genome position (GRCh38, 1-based): chr1:220,136,889, A>G. VCF-style: chr1-220136889-A-G. GRCh37 (hg19) VCF-style: chr1-220310231-A-G.
Other names: c.2027A>G (NM_018060.3); short protein forms D676G.
Identifiers: ClinVar variation 1403284 (VCV001403284.7), dbSNP rs771124236, ClinGen allele CA1401654.